The following is an entry in ClinVar:

NC_000003.11:g.(?_164781210)_(164793800_?)del

Gene: SI (sucrase-isomaltase; minus strand). Cytogenetic location: 3q26.1.
Variant type: Deletion.
Identifiers: ClinVar variation 2423558 (VCV002423558.4).

ClinVar aggregate classification (germline): Pathogenic (1 of 4 stars; one submission).

Submission:

Labcorp Genetics (formerly Invitae), Labcorp
Classification: Pathogenic. Last evaluated: 2022-01-04. Review status: criteria provided, single submitter. Criteria: Invitae Variant Classification Sherloc (09022015). Collection method: clinical testing. Allele origin: germline.
Comment: This variant has not been reported in the literature in individuals affected with SI-related conditions. For these reasons, this variant has been classified as Pathogenic. This variant is a gross deletion of the genomic region encompassing exon(s) 2-8 of the SI gene, which includes the initiator codon. This deletion extends beyond the assayed region for this gene and therefore may encompass additional genes. It is expected to result in an absent or disrupted protein product. Loss-of-function variants in SI are known to be pathogenic (PMID: 16329100, 23103650, 25452324).

Literature cited by the submitters: PubMed 16329100; PubMed 23103650; PubMed 25452324.